The following is an entry in ClinVar:

ClinVar aggregate classification (germline): Likely pathogenic. Review status: reviewed by expert panel (3 of 4 stars). 6 submissions from 6 submitters: Likely pathogenic (1). 5 of the submissions do not count toward it. Last evaluated 2024-05-09.

Conditions:
SERPINC1-related disorder. Also called: SERPINC1-related condition.
Hereditary antithrombin deficiency (AT3D). Also called: Antithrombin deficiency; Antithrombin III deficiency; Thrombophilia due to antithrombin III deficiency; Reduced antithrombin III activity. Identifiers: Orphanet 82, MedGen C0272375, MONDO:0013144, OMIM 613118, HP:0001976.

Allele frequency attached by ClinVar (database versions not stated): gnomAD exomes below 0.00001 and 0.00002; TOPMed below 0.00001; ExAC 0.00001; gnomAD 0.00001.
gnomAD v4.1: 25 of 1,614,072 alleles (0.0015%); highest among the groups gnomAD compares: Non-Finnish European, 0.002%; no homozygotes.

Submissions (6):

Clingen Thrombosis Variant Curation Expert Panel, ClinGen
Classification: Likely pathogenic for Hereditary antithrombin deficiency. Last evaluated: 2024-05-09. Review status: reviewed by expert panel. Criteria: ClinGen ACMG Specifications SERPINC1 V1.0.0. Collection method: curation. Allele origin: germline. Inheritance: Autosomal dominant inheritance.
Comment: The NM_000488.4:c.449A>C variant in SERPINC1 is a missense variant predicted to cause substitution of Glutamine by Proline at amino acid 150 (p.Gln150Pro). This variant is also known as antithrombin Vienna (Legacy nomenclature: Gln118Pro) in the literature. At least one patient with this variant displayed AT deficiency (type II- HBD) which is highly specific for SERPINC1 (PP4, PMID: 7734360). The computational predictor REVEL gives a score of 0.865, which is above the threshold of 0.6, evidence that correlates with impact to SERPINC1 gene function. The highest population minor allele frequency in gnomAD v2.1.1 is 0.000008791 (1/113750 alleles) in the non-Finnish European population, which is lower than the ClinGen Thrombosis VCEP threshold (<0.00002 ) for PM2_Supporting, meeting this criterion. In summary, this variant meets the criteria to be classified as a pathogenic for antithrombin deficiency based on the ACMG/AMP criteria applied, as specified by the ClinGen Thrombosis VCEP. (Specifications version 1.0.0; date of approval: 7/17/2023).

Victorian Clinical Genetics Services, Murdoch Childrens Research Institute
Classification: Likely pathogenic for Hereditary antithrombin deficiency. Last evaluated: 2026-01-12. Review status: criteria provided, single submitter. Criteria: ACMG Guidelines, 2015. Collection method: clinical testing. Allele origin: germline. Affected: yes. Not counted in ClinVar's aggregate classification.
Comment: This variant is classified as Likely pathogenic. Evidence in support of pathogenic classification: Variant is present in gnomAD <0.01 (v4: 25 heterozygote(s), 0 homozygote(s). - This variant has strong previous evidence of pathogenicity in unrelated individuals. This variant, also known as the antithrombin Vienna variant in the literature, has been classified as likely pathogenic by the ClinGen Thrombosis Variant Curation Expert Panel in ClinVar; Missense variant predicted to be damaging by in silico tool(s) or highly conserved with a major amino acid change. Additional information: Variant is predicted to result in a missense amino acid change from Gln to Pro; This variant is heterozygous; This gene is associated with both recessive and dominant disease (OMIM). Biallelic disease is associated with a more severe presentation (ClinGen CCID:006109). - Variant is located in the annotated heparin binding site (NCBI); Loss of function is a known mechanism of disease in this gene and is associated with thrombophilia 7 due to antithrombin III deficiency (MIM#613118); Inheritance information for this variant is not currently available in this individual.

Labcorp Genetics (formerly Invitae), Labcorp
Classification: Uncertain significance for Hereditary antithrombin deficiency. Last evaluated: 2025-10-26. Review status: criteria provided, single submitter. Criteria: Invitae Variant Classification Sherloc (09022015). Collection method: clinical testing. Allele origin: germline. Not counted in ClinVar's aggregate classification.
Comment: This sequence change replaces glutamine, which is neutral and polar, with proline, which is neutral and non-polar, at codon 150 of the SERPINC1 protein (p.Gln150Pro). This variant is present in population databases (rs765445413, gnomAD 0.0009%). This missense change has been observed in individual(s) with type II antithrombin (AT) deficiency (PMID: 7734360, 11192751, 25837307, 28300866, 32151802). This variant is also known as 5349A>C, Gln118Pro. ClinVar contains an entry for this variant (Variation ID: 654211). Invitae Evidence Modeling of protein sequence and biophysical properties (such as structural, functional, and spatial information, amino acid conservation, physicochemical variation, residue mobility, and thermodynamic stability) indicates that this missense variant is expected to disrupt SERPINC1 protein function with a positive predictive value of 95%. In summary, the available evidence is currently insufficient to determine the role of this variant in disease. Therefore, it has been classified as a Variant of Uncertain Significance.

Mayo Clinic Laboratories, Mayo Clinic
Classification: Likely pathogenic. Last evaluated: 2025-01-27. Review status: criteria provided, single submitter. Criteria: ACMG Guidelines, 2015. Collection method: clinical testing. Allele origin: germline. Observed: 2 variant alleles. Not counted in ClinVar's aggregate classification.
Comment: PP1_moderate, PP3, PM2_supporting, PS4

Fulgent Genetics
Classification: Uncertain significance for Hereditary antithrombin deficiency. Last evaluated: 2021-09-24. Review status: criteria provided, single submitter. Criteria: ACMG Guidelines, 2015. Collection method: clinical testing. Allele origin: unknown. Not counted in ClinVar's aggregate classification.

PreventionGenetics, part of Exact Sciences
Classification: Likely pathogenic for SERPINC1-related condition. Last evaluated: 2024-07-23. Review status: no assertion criteria provided. Collection method: clinical testing. Allele origin: germline. Not counted in ClinVar's aggregate classification.
Comment: The SERPINC1 c.449A>C variant is predicted to result in the amino acid substitution p.Gln150Pro. This variant has been reported in the heterozygous state in individuals with antithrombin deficiency (Chowdhury et al. 1995. PubMed ID: 7734360; Orlando et al. 2015. PubMed ID: 25837307; Alhenc-Gelas et al. 2017. PubMed ID: 28300866). It has also been described in an individual with thrombosis who also carried a second SERPINC1 variant (Provazníková et al. 2020. PubMed ID: 32151802). This variant is reported in 0.00088% of alleles in individuals of European (non-Finnish) descent in gnomAD. This variant is interpreted as likely pathogenic.

Literature cited by the submitters: PubMed 7734360 (cited by Labcorp Genetics (formerly Invitae), Labcorp and Mayo Clinic Laboratories, Mayo Clinic); PubMed 11192751 (cited by Labcorp Genetics (formerly Invitae), Labcorp and Mayo Clinic Laboratories, Mayo Clinic); PubMed 25837307 (cited by Labcorp Genetics (formerly Invitae), Labcorp and Mayo Clinic Laboratories, Mayo Clinic); PubMed 28300866 (cited by Labcorp Genetics (formerly Invitae), Labcorp and Mayo Clinic Laboratories, Mayo Clinic); PubMed 32151802 (cited by Labcorp Genetics (formerly Invitae), Labcorp); PubMed 24196373 (cited by Mayo Clinic Laboratories, Mayo Clinic); PubMed 25466846 (cited by Mayo Clinic Laboratories, Mayo Clinic); PubMed 25496998 (cited by Mayo Clinic Laboratories, Mayo Clinic); PubMed 30975910 (cited by Mayo Clinic Laboratories, Mayo Clinic); PubMed 37647632 (cited by Mayo Clinic Laboratories, Mayo Clinic).

NM_000488.4(SERPINC1):c.449A>C (p.Gln150Pro)

Gene: SERPINC1 (serpin family C member 1; minus strand). Cytogenetic location: 1q25.1.
Variant type: single nucleotide variant.
Coding change: c.449A>C on transcript NM_000488.4 (MANE Select); coding-DNA position 449, A replaced by C.
Protein change: p.Gln150Pro; replaces glutamine 150 with proline.
Molecular consequence: missense variant. On other transcripts: intron variant (1).
Genome position (GRCh38, 1-based): chr1:173,911,974, T>G on the plus strand (A>C on the coding strand, the complement: SERPINC1 is on the minus strand). VCF-style: chr1-173911974-T-G. GRCh37 (hg19) VCF-style: chr1-173881112-T-G.
Other names: p.Gln150Pro; NM_000488.4(SERPINC1):c.449A>C; c.305A>C, p.Gln102Pro (NM_001365052.2); c.449A>C, p.Gln150Pro (NM_001386302.1, NM_001386304.1, NM_001386305.1); c.530A>C, p.Gln177Pro (NM_001386303.1); c.409-1083A>C (NM_001386306.1); short protein forms Q102P, Q150P, Q177P.
Identifiers: ClinVar variation 654211 (VCV000654211.14), dbSNP rs765445413, ClinGen allele CA1251409.